The following is an entry in ClinVar:

ClinVar aggregate classification (germline): Uncertain significance. Review status: criteria provided, multiple submitters, no conflicts (2 of 4 stars). 2 submissions from 2 submitters: Uncertain significance (2). Last evaluated 2023-11-13.

Allele frequency attached by ClinVar (database versions not stated): gnomAD exomes 0.00001; TOPMed 0.00001; 1000 Genomes Project 30x 0.00016; 1000 Genomes Project 0.00020; ExAC 0.00001; gnomAD 0.00001.
gnomAD v4.1: 12 of 1,614,176 alleles (0.00074%); highest among the groups gnomAD compares: East Asian, 0.0045%; no homozygotes.

Submissions (2):

Labcorp Genetics (formerly Invitae), Labcorp
Classification: Uncertain significance. Last evaluated: 2023-11-13. Review status: criteria provided, single submitter. Criteria: Invitae Variant Classification Sherloc (09022015). Collection method: clinical testing. Allele origin: germline.
Comment: This sequence change replaces arginine, which is basic and polar, with histidine, which is basic and polar, at codon 410 of the DSCAML1 protein (p.Arg410His). The frequency data for this variant in the population databases is considered unreliable, as metrics indicate poor data quality at this position in the gnomAD database. This variant has not been reported in the literature in individuals affected with DSCAML1-related conditions. ClinVar contains an entry for this variant (Variation ID: 1908355). An algorithm developed to predict the effect of missense changes on protein structure and function (PolyPhen-2) suggests that this variant is likely to be disruptive. In summary, the available evidence is currently insufficient to determine the role of this variant in disease. Therefore, it has been classified as a Variant of Uncertain Significance.

Ambry Genetics
Classification: Uncertain significance. Last evaluated: 2022-02-03. Review status: criteria provided, single submitter. Criteria: Ambry Variant Classification Scheme 2023. Collection method: clinical testing. Allele origin: germline.

NM_020693.4(DSCAML1):c.1049G>A (p.Arg350His)

Gene: DSCAML1 (DS cell adhesion molecule like 1; minus strand). Cytogenetic location: 11q23.3.
Variant type: single nucleotide variant.
Coding change: c.1049G>A on transcript NM_020693.4 (MANE Select); coding-DNA position 1049, G replaced by A.
Protein change: p.Arg350His; replaces arginine 350 with histidine.
Molecular consequence: missense variant.
Genome position (GRCh38, 1-based): chr11:117,521,294, C>T on the plus strand (G>A on the coding strand, the complement: DSCAML1 is on the minus strand). VCF-style: chr11-117521294-C-T. GRCh37 (hg19) VCF-style: chr11-117392009-C-T.
Other names: c.1049G>A, p.Arg350His (NM_001367904.1); c.641G>A, p.Arg214His (NM_001367905.1); short protein forms R214H, R350H.
Identifiers: ClinVar variation 1908355 (VCV001908355.6), dbSNP rs200932029, ClinGen allele CA6297381.